The following is an entry in ClinVar:

NM_014249.4(NR2E3):c.410C>T (p.Ser137Phe)

Gene: NR2E3 (nuclear receptor subfamily 2 group E member 3; plus strand). Cytogenetic location: 15q23.
Variant type: single nucleotide variant.
Coding change: c.410C>T on transcript NM_014249.4 (MANE Select); coding-DNA position 410, C replaced by T.
Protein change: p.Ser137Phe; replaces serine 137 with phenylalanine.
Molecular consequence: missense variant.
Genome position (GRCh38, 1-based): chr15:71,812,015, C>T. VCF-style: chr15-71812015-C-T. GRCh37 (hg19) VCF-style: chr15-72104355-C-T.
Other names: c.410C>T, p.Ser137Phe (NM_016346.4); short protein forms S137F.
Identifiers: ClinVar variation 317013 (VCV000317013.9), dbSNP rs767828150, ClinGen allele CA7640308.

ClinVar aggregate classification (germline): Conflicting classifications of pathogenicity. Review status: criteria provided, conflicting classifications (1 of 4 stars). 4 submissions from 3 submitters: Uncertain significance (3); Likely benign (1). Last evaluated 2023-10-01.

Conditions:
Retinitis pigmentosa (RP). Identifiers: Orphanet 791, MedGen C0035334, MeSH D012174, MONDO:0019200, OMIM 268000. Inheritance: Autosomal dominant, autosomal recessive and X linked inheritance.
Retinal dystrophy. Also called: Inherited retinal dystrophy. Identifiers: Orphanet 71862, MedGen C0854723, MeSH D058499, MONDO:0019118, HP:0000556.
Enhanced S-cone syndrome (ESCS). Identifiers: Orphanet 53540, MedGen C1849394, MONDO:0100288, MONDO:0009989.

Allele frequency attached by ClinVar (database versions not stated): ExAC below 0.00001; TOPMed below 0.00001; gnomAD 0.00001; gnomAD exomes 0.00005 and 0.00006.

Submissions (4):

Dept Of Ophthalmology, Nagoya University
Classification: Likely benign for Retinal dystrophy. Last evaluated: 2023-10-01. Review status: criteria provided, single submitter. Criteria: Submitter's publication. Collection method: research. Allele origin: germline. Affected: yes.

Labcorp Genetics (formerly Invitae), Labcorp
Classification: Uncertain significance. Last evaluated: 2020-10-04. Review status: criteria provided, single submitter. Criteria: Invitae Variant Classification Sherloc (09022015). Collection method: clinical testing. Allele origin: germline.
Comment: This sequence change replaces serine with phenylalanine at codon 137 of the NR2E3 protein (p.Ser137Phe). The serine residue is weakly conserved and there is a large physicochemical difference between serine and phenylalanine. The frequency data for this variant in the population databases is considered unreliable, as metrics indicate poor data quality at this position in the ExAC database. This variant has been observed in individual(s) with retinitis pigmentosa (Invitae). ClinVar contains an entry for this variant (Variation ID: 317013). Algorithms developed to predict the effect of missense changes on protein structure and function are either unavailable or do not agree on the potential impact of this missense change (SIFT: Tolerated; PolyPhen-2: Not Available; Align-GVGD: Class C0). In summary, the available evidence is currently insufficient to determine the role of this variant in disease. Therefore, it has been classified as a Variant of Uncertain Significance.

Illumina Laboratory Services, Illumina
Classification: Uncertain significance for ENHANCED S-CONE SYNDROME 1. Last evaluated: 2018-01-13. Review status: criteria provided, single submitter. Criteria: ICSL Variant Classification Criteria 13 December 2019. Collection method: clinical testing. Allele origin: germline.

Illumina Laboratory Services, Illumina
Classification: Uncertain significance for Retinitis pigmentosa. Last evaluated: 2018-01-13. Review status: criteria provided, single submitter. Criteria: ICSL Variant Classification Criteria 13 December 2019. Collection method: clinical testing. Allele origin: germline.